The following is an entry in ClinVar:

ClinVar aggregate classification (germline): Uncertain significance (1 of 4 stars; one submission).

gnomAD v4.1: 3 of 1,613,768 alleles (0.00019%); highest among the groups gnomAD compares: Non-Finnish European, 0.00017%; no homozygotes.

Submission:

Ambry Genetics
Classification: Uncertain significance. Last evaluated: 2025-08-20. Review status: criteria provided, single submitter. Criteria: Ambry Variant Classification Scheme 2023. Collection method: clinical testing. Allele origin: germline.
Comment: The p.A441V variant (also known as c.1322C>T), located in coding exon 7 of the PKP4 gene, results from a C to T substitution at nucleotide position 1322. The alanine at codon 441 is replaced by valine, an amino acid with similar properties. This amino acid position is conserved. In addition, this alteration is predicted to be deleterious by in silico analysis. Based on the available evidence, the clinical significance of this variant remains unclear.

NM_003628.6(PKP4):c.1322C>T (p.Ala441Val)

Gene: PKP4 (plakophilin 4; plus strand). Cytogenetic location: 2q24.1.
Variant type: single nucleotide variant.
Coding change: c.1322C>T on transcript NM_003628.6 (MANE Select); coding-DNA position 1322, C replaced by T.
Protein change: p.Ala441Val; replaces alanine 441 with valine.
Molecular consequence: missense variant.
Genome position (GRCh38, 1-based): chr2:158,631,921, C>T. VCF-style: chr2-158631921-C-T. GRCh37 (hg19) VCF-style: chr2-159488433-C-T.
Other names: c.1322C>T, p.Ala441Val (NM_001005476.4, NM_001304969.3, NM_001304971.2 and 6 more transcripts); c.296C>T, p.Ala99Val (NM_001304970.3); c.1316C>T, p.Ala439Val (NM_001377222.1, NM_001377223.1, NM_001377224.1); short protein forms A99V, A441V, A439V.
Identifiers: ClinVar variation 4138158 (VCV004138158.1).